The following is an entry in ClinVar:

ClinVar aggregate classification (germline): Likely benign. Review status: criteria provided, multiple submitters, no conflicts (2 of 4 stars). 3 submissions from 3 submitters: Likely benign (2). 1 of the submissions does not count toward it. Last evaluated 2026-01-05.

Conditions:
NUP205-related disorder. Also called: NUP205-related condition.

Allele frequency attached by ClinVar (database versions not stated): 1000 Genomes Project 30x 0.00078; 1000 Genomes Project 0.00080; ExAC 0.00200; gnomAD exomes 0.00232; gnomAD 0.00251 and 0.00259; TOPMed 0.00270; ESP Exome Variant Server 0.00315.

Submissions (3):

Labcorp Genetics (formerly Invitae), Labcorp
Classification: Likely benign. Last evaluated: 2026-01-05. Review status: criteria provided, single submitter. Criteria: Invitae Variant Classification Sherloc (09022015). Collection method: clinical testing. Allele origin: germline.

CeGaT Center for Human Genetics Tuebingen
Classification: Likely benign. Last evaluated: 2025-08-01. Review status: criteria provided, single submitter. Criteria: CeGaT Center For Human Genetics Tuebingen Variant Classification Criteria Version 2. Collection method: clinical testing. Allele origin: germline. Affected: yes. Observed: 3 variant alleles.
Comment: NUP205: BS2

PreventionGenetics, part of Exact Sciences
Classification: Likely benign for NUP205-related condition. Last evaluated: 2022-05-09. Review status: no assertion criteria provided. Collection method: clinical testing. Allele origin: germline. Not counted in ClinVar's aggregate classification.
Comment: This variant is classified as likely benign based on ACMG/AMP sequence variant interpretation guidelines (Richards et al. 2015 PMID: 25741868, with internal and published modifications).

NM_015135.3(NUP205):c.5312G>T (p.Ser1771Ile)

Gene: NUP205 (nucleoporin 205; plus strand). Cytogenetic location: 7q33.
Variant type: single nucleotide variant.
Coding change: c.5312G>T on transcript NM_015135.3 (MANE Select); coding-DNA position 5312, G replaced by T.
Protein change: p.Ser1771Ile; replaces serine 1771 with isoleucine.
Molecular consequence: missense variant.
Genome position (GRCh38, 1-based): chr7:135,638,603, G>T. VCF-style: chr7-135638603-G-T. GRCh37 (hg19) VCF-style: chr7-135323351-G-T.
Other names: c.4238G>T, p.Ser1413Ile (NM_001329434.2); short protein forms S1413I, S1771I.
Identifiers: ClinVar variation 729242 (VCV000729242.26), dbSNP rs11550519, ClinGen allele CA4499152.